The following is an entry in ClinVar:

ClinVar aggregate classification (germline): Benign (0 of 4 stars; one submission).

Conditions:
DNAH17-related disorder. Also called: DNAH17-related condition.

Allele frequency attached by ClinVar (database versions not stated): TOPMed 0.01615; ESP Exome Variant Server 0.01622; 1000 Genomes Project 30x 0.01718; ExAC 0.00545; gnomAD 0.01428; 1000 Genomes Project 0.01577; gnomAD exomes 0.00196.
gnomAD v4.1: 5,238 of 1,613,796 alleles (0.32%); highest among the groups gnomAD compares: African/African-American, 4.6%; 92 homozygotes.

Submission:

PreventionGenetics, part of Exact Sciences
Classification: Benign for DNAH17-related condition. Last evaluated: 2019-03-12. Review status: no assertion criteria provided. Collection method: clinical testing. Allele origin: germline.
Comment: This variant is classified as benign based on ACMG/AMP sequence variant interpretation guidelines (Richards et al. 2015 PMID: 25741868, with internal and published modifications).

NM_173628.4(DNAH17):c.12339G>A (p.Thr4113=)

Gene: DNAH17 (dynein axonemal heavy chain 17; minus strand). Cytogenetic location: 17q25.3.
Variant type: single nucleotide variant.
Coding change: c.12339G>A on transcript NM_173628.4 (MANE Select); coding-DNA position 12339, G replaced by A.
Protein change: p.Thr4113=; no amino-acid change (threonine 4113 retained).
Molecular consequence: synonymous variant.
Genome position (GRCh38, 1-based): chr17:78,429,187, C>T on the plus strand (G>A on the coding strand, the complement: DNAH17 is on the minus strand). VCF-style: chr17-78429187-C-T. GRCh37 (hg19) VCF-style: chr17-76425268-C-T.
Identifiers: ClinVar variation 3043600 (VCV003043600.2), dbSNP rs74679299, ClinGen allele CA8800080.